The following is an entry in ClinVar:

ClinVar aggregate classification (germline): Uncertain significance (1 of 4 stars; one submission).

gnomAD v4.1: 8 of 1,613,800 alleles (0.0005%); highest among the groups gnomAD compares: Non-Finnish European, 0.00068%; no homozygotes.

Submission:

Labcorp Genetics (formerly Invitae), Labcorp
Classification: Uncertain significance. Last evaluated: 2022-10-17. Review status: criteria provided, single submitter. Criteria: Invitae Variant Classification Sherloc (09022015). Collection method: clinical testing. Allele origin: germline.
Comment: This sequence change replaces serine, which is neutral and polar, with asparagine, which is neutral and polar, at codon 387 of the NEK2 protein (p.Ser387Asn). This variant is present in population databases (no rsID available, gnomAD 0.003%). This variant has not been reported in the literature in individuals affected with NEK2-related conditions. Algorithms developed to predict the effect of missense changes on protein structure and function output the following: SIFT: "Tolerated"; PolyPhen-2: "Benign"; Align-GVGD: "Class C0". The asparagine amino acid residue is found in multiple mammalian species, which suggests that this missense change does not adversely affect protein function. In summary, the available evidence is currently insufficient to determine the role of this variant in disease. Therefore, it has been classified as a Variant of Uncertain Significance.

NM_002497.4(NEK2):c.1160G>A (p.Ser387Asn)

Gene: NEK2 (NIMA related kinase 2; minus strand). Cytogenetic location: 1q32.3.
Variant type: single nucleotide variant.
Coding change: c.1160G>A on transcript NM_002497.4 (MANE Select); coding-DNA position 1160, G replaced by A.
Protein change: p.Ser387Asn; replaces serine 387 with asparagine.
Molecular consequence: missense variant. On other transcripts: intron variant (1).
Genome position (GRCh38, 1-based): chr1:211,663,604, C>T on the plus strand (G>A on the coding strand, the complement: NEK2 is on the minus strand). VCF-style: chr1-211663604-C-T. GRCh37 (hg19) VCF-style: chr1-211836946-C-T.
Other names: c.1111+3502G>A (NM_001204182.2); short protein forms S387N.
Identifiers: ClinVar variation 1964196 (VCV001964196.5), dbSNP rs756257362, ClinGen allele CA344774017.
Genomic context (GRCh38, chr1:211,663,604, plus strand): 5'-TTAGATGTGAGCTGACTCTCAGAATTCTCACTCCTCATGATGTTCTCTTTACTTTCCCCA[C>T]TGAAATGAACTTTCTTCTTAATTACTGAGGATGGAAGATTAAGAAGTTCTTTAGAAGGAA-3'
Protein context (NP_002488.1, residues 377-397): SSVIKKKVHF[Ser387Asn]GESKENIMRS